The following is an entry in ClinVar:

ClinVar aggregate classification (germline): Pathogenic. Review status: criteria provided, multiple submitters, no conflicts (2 of 4 stars). 2 submissions from 2 submitters: Pathogenic (2). Last evaluated 2026-06-26.

Conditions:
X-linked Alport syndrome (ATS1). Also called: NEPHROPATHY AND DEAFNESS, X-LINKED; COL4A5-Related Nephropathy. Identifiers: Orphanet 63, Orphanet 88917, MedGen C4746986, MONDO:0010520, OMIM 301050.

Submissions (2):

Centre de Génétique Humaine, Institut de Pathologie Et de Génétique
Classification: Pathogenic for X-linked Alport syndrome. Last evaluated: 2026-06-26. Review status: criteria provided, single submitter. Criteria: ACMG Guidelines, 2015. Collection method: clinical testing. Allele origin: germline. Inheritance: X-linked dominant inheritance. Affected: yes. Observed: 1 variant allele, 1 hemizygote. Segregation with disease not observed.
Comment: This missense variant involves a highly conserved glycine located in a ‘Gly-X-Y’ motif in collagenous region, which is characteristic of the pathogenic variants identified in the COL4A5 gene (PM1,PP2). This variant is rare: absent in gnomAD v4.1.0 database (PM2). Another missense variants affecting the same residue described as LP: c.1931G>T, p.Gly644Val, PMID: 30883042 and ClinVar (PM5). In silico analysis supports that this missense variant has a deleterious effect (PP3). Described as P in ClinVar and in patiens with X-linked AS, cosegregation in described families (PP1, PP5)

Labcorp Genetics (formerly Invitae), Labcorp
Classification: Pathogenic. Last evaluated: 2022-04-01. Review status: criteria provided, single submitter. Criteria: Invitae Variant Classification Sherloc (09022015). Collection method: clinical testing. Allele origin: germline.
Comment: This sequence change replaces glycine, which is neutral and non-polar, with aspartic acid, which is acidic and polar, at codon 644 of the COL4A5 protein (p.Gly644Asp). This variant is not present in population databases (gnomAD no frequency). This missense change has been observed in individuals with Alport syndrome (PMID: 29854973, 30295827). Advanced modeling of protein sequence and biophysical properties (such as structural, functional, and spatial information, amino acid conservation, physicochemical variation, residue mobility, and thermodynamic stability) performed at Invitae indicates that this missense variant is expected to disrupt COL4A5 protein function. This variant disrupts the triple helix domain of COL4A5. Glycine residues within the Gly-Xaa-Yaa repeats of the triple helix domain are required for the structure and stability of fibrillar collagens (PMID: 7695699, 8218237, 19344236). In COL4A5, missense variants at these glycine residues are significantly enriched in individuals with disease (PMID: 23720012, 27627812) compared to the general population (ExAC). For these reasons, this variant has been classified as Pathogenic.

Literature cited by the submitters: PubMed 24854265 (cited by Centre de Génétique Humaine, Institut de Pathologie Et de Génétique); PubMed 29854973 (cited by Centre de Génétique Humaine, Institut de Pathologie Et de Génétique and Labcorp Genetics (formerly Invitae), Labcorp); PubMed 30295827 (cited by Centre de Génétique Humaine, Institut de Pathologie Et de Génétique and Labcorp Genetics (formerly Invitae), Labcorp); PubMed 40004525 (cited by Centre de Génétique Humaine, Institut de Pathologie Et de Génétique); PubMed 7695699 (cited by Labcorp Genetics (formerly Invitae), Labcorp); PubMed 8218237 (cited by Labcorp Genetics (formerly Invitae), Labcorp); PubMed 19344236 (cited by Labcorp Genetics (formerly Invitae), Labcorp); PubMed 23720012 (cited by Labcorp Genetics (formerly Invitae), Labcorp); PubMed 27627812 (cited by Labcorp Genetics (formerly Invitae), Labcorp).

NM_033380.3(COL4A5):c.1931G>A (p.Gly644Asp)

Gene: COL4A5 (collagen type IV alpha 5 chain; plus strand). Cytogenetic location: Xq22.3.
Variant type: single nucleotide variant.
Coding change: c.1931G>A on transcript NM_033380.3 (MANE Select); coding-DNA position 1931, G replaced by A.
Protein change: p.Gly644Asp; replaces glycine 644 with aspartic acid.
Molecular consequence: missense variant.
Genome position (GRCh38, 1-based): chrX:108,598,853, G>A. VCF-style: chrX-108598853-G-A. GRCh37 (hg19) VCF-style: chrX-107842083-G-A.
Other names: p.(Gly644Asp); c.1931G>A, p.Gly644Asp (NM_000495.5); short protein forms G644D.
Identifiers: ClinVar variation 2138698 (VCV002138698.5), dbSNP rs1569494386, ClinGen allele CA413845897.
Genomic context (GRCh38, chrX:108,598,853, plus strand): 5'-GTTTCGGCCCTCCAGGCCCAGTAGGTGAAAAAGGCATACAAGGTGTGGCAGGAAATCCAG[G>A]CCAGCCAGGAATACCAGGTAAGTTTACTGTGTTTTGTTTTAAACTTGGTGCTTAAAAACA-3'
Protein context (NP_203699.1, residues 634-654): KGIQGVAGNP[Gly644Asp]QPGIPGPKGD